The following is an entry in ClinVar:

NM_022455.5(NSD1):c.2180A>G (p.Gln727Arg)

Gene: NSD1 (nuclear receptor binding SET domain protein 1; plus strand). Cytogenetic location: 5q35.3.
Variant type: single nucleotide variant.
Coding change: c.2180A>G on transcript NM_022455.5 (MANE Select); coding-DNA position 2180, A replaced by G.
Protein change: p.Gln727Arg; replaces glutamine 727 with arginine.
Molecular consequence: missense variant.
Genome position (GRCh38, 1-based): chr5:177,210,579, A>G. VCF-style: chr5-177210579-A-G. GRCh37 (hg19) VCF-style: chr5-176637580-A-G.
Other names: c.1307A>G, p.Gln436Arg (NM_172349.5, NM_001409306.1, NM_001409307.1 and 3 more transcripts); c.2180A>G, p.Gln727Arg (NM_001409303.1, NM_001409301.1, NM_001409302.1); c.1760A>G, p.Gln587Arg (NM_001409304.1); c.1427A>G, p.Gln476Arg (NM_001409305.1); short protein forms Q436R, Q476R, Q587R, Q727R.
Identifiers: ClinVar variation 5019475 (VCV005019475.2).
Genomic context (GRCh38, chr5:177,210,579, plus strand): 5'-CACATACAGACCACTTAATGGGTTGTACTAAGAGTGCAGAGCCTGGAACCGAGACGTCTC[A>G]GGTTAATCTCTCTGATCTGAAGGCATCTACTCTTGTTCACAAACCCCAGTCAGATTTTAC-3'
Protein context (NP_071900.2, residues 717-737): KSAEPGTETS[Gln727Arg]VNLSDLKAST

ClinVar aggregate classification (germline): Uncertain significance (1 of 4 stars; one submission).

Conditions:
Sotos syndrome (SOTOS). Also called: CEREBRAL GIGANTISM; Distinctive facial appearance, overgrowth in childhood, and learning disabilities or delayed development; SOTOS SYNDROME 1; Sotos' syndrome; CHROMOSOME 5q35 DELETION SYNDROME. Identifiers: Orphanet 821, MedGen C0175695, MONDO:0019349, OMIM 117550.

gnomAD v4.1: 1 of 1,614,148 alleles (0.000062%); highest among the groups gnomAD compares: East Asian, 0.0022%; no homozygotes.

Submission:

Juno Genomics, Hangzhou Juno Genomics, Inc
Classification: Uncertain significance for Sotos syndrome. Review status: criteria provided, single submitter. Criteria: ACMG Guidelines, 2015. Collection method: clinical testing. Allele origin: germline.
Comment: Absent from controls (or at extremely low frequency if recessive) in Genome Aggregation Database.;Missense variant in a gene that has a low rate of benign missense variation.;Multiple lines of computational evidence suggest no impact on gene or gene product.